The following is an entry in ClinVar:

ClinVar aggregate classification (germline): Uncertain significance (1 of 4 stars; one submission).

Conditions:
Hereditary diffuse gastric adenocarcinoma (HDGC). Also called: DIFFUSE GASTRIC AND LOBULAR BREAST CANCER SYNDROME. Identifiers: Orphanet 26106, MedGen C1708349, MONDO:0007648, OMIM 137215.

Submission:

Labcorp Genetics (formerly Invitae), Labcorp
Classification: Uncertain significance for Hereditary diffuse gastric adenocarcinoma. Last evaluated: 2018-02-28. Review status: criteria provided, single submitter. Criteria: Invitae Variant Classification Sherloc (09022015). Collection method: clinical testing. Allele origin: germline.
Comment: This variant is not present in population databases (ExAC no frequency). In summary, the available evidence is currently insufficient to determine the role of this variant in disease. Therefore, it has been classified as a Variant of Uncertain Significance. Algorithms developed to predict the effect of missense changes on protein structure and function output the following: SIFT: "Tolerated"; PolyPhen-2: "Benign"; Align-GVGD: "Class C0". The serine amino acid residue is found in multiple mammalian species, suggesting that this missense change does not adversely affect protein function. These predictions have not been confirmed by published functional studies and their clinical significance is uncertain. This variant has not been reported in the literature in individuals with CDH1-related disease. This sequence change replaces threonine with serine at codon 515 of the CDH1 protein (p.Thr515Ser). The threonine residue is moderately conserved and there is a small physicochemical difference between threonine and serine.

NM_004360.5(CDH1):c.1543A>T (p.Thr515Ser)

Gene: CDH1 (cadherin 1; plus strand). Cytogenetic location: 16q22.1.
Variant type: single nucleotide variant.
Coding change: c.1543A>T on transcript NM_004360.5 (MANE Select); coding-DNA position 1543, A replaced by T.
Protein change: p.Thr515Ser; replaces threonine 515 with serine.
Molecular consequence: missense variant. On other transcripts: 5 prime UTR variant (2).
Genome position (GRCh38, 1-based): chr16:68,815,737, A>T. VCF-style: chr16-68815737-A-T. GRCh37 (hg19) VCF-style: chr16-68849640-A-T.
Other names: c.1543A>T (LRG_301t1); c.1360A>T, p.Thr454Ser (NM_001317184.2); c.-6A>T (NM_001317185.2); c.-277A>T (NM_001317186.2); short protein forms T515S, T454S.
Identifiers: ClinVar variation 576746 (VCV000576746.9), dbSNP rs1219371636, ClinGen allele CA396463555.
Genomic context (GRCh38, chr16:68,815,737, plus strand): 5'-GTGTCCGAGGACTTTGGCGTGGGCCAGGAAATCACATCCTACACTGCCCAGGAGCCAGAC[A>T]CATTTATGGAACAGAAAATAACGTAAGTGTGAGGATTTTTCAACTGACTTGCAGCAACTG-3'
Protein context (NP_004351.1, residues 505-525): ITSYTAQEPD[Thr515Ser]FMEQKITYRI